The following is an entry in ClinVar:

NM_000059.4(BRCA2):c.5266G>A (p.Val1756Ile)

Gene: BRCA2 (BRCA2 DNA repair associated; plus strand). Cytogenetic location: 13q13.1.
Variant type: single nucleotide variant.
Coding change: c.5266G>A on transcript NM_000059.4 (MANE Select); coding-DNA position 5266, G replaced by A.
Protein change: p.Val1756Ile; replaces valine 1756 with isoleucine.
Molecular consequence: missense variant.
Genome position (GRCh38, 1-based): chr13:32,339,621, G>A. VCF-style: chr13-32339621-G-A. GRCh37 (hg19) VCF-style: chr13-32913758-G-A.
Other names: c.5266G>A, p.Val1756Ile (NM_001406719.1, NM_001406720.1); short protein forms V1756I.
Identifiers: ClinVar variation 1746468 (VCV001746468.7), dbSNP rs876659138, ClinGen allele CA387784735.

ClinVar aggregate classification (germline): Conflicting classifications of pathogenicity. Review status: criteria provided, conflicting classifications (1 of 4 stars). 3 submissions from 3 submitters: Uncertain significance (2); Likely benign (1). Last evaluated 2023-09-21.

Conditions:
Hereditary cancer-predisposing syndrome. Also called: Hereditary Cancer Syndrome; Neoplastic Syndromes, Hereditary; Tumor predisposition; Hereditary neoplastic syndrome. Identifiers: Orphanet 140162, MedGen C0027672, MeSH D009386, MONDO:0015356.
Hereditary breast ovarian cancer syndrome. Also called: Breast and ovarian cancer; Hereditary breast and ovarian cancer; Hereditary breast and/or ovarian cancer syndrome; BRCA1- and BRCA2-Associated Hereditary Breast and Ovarian Cancer; Hereditary breast and ovarian cancer syndrome (HBOC); Hereditary breast and ovarian cancer syndrome. Identifiers: Orphanet 145, MedGen C0677776, MeSH D061325, MONDO:0003582. Disease mechanism: loss of function.

Allele frequency attached by ClinVar (database versions not stated): gnomAD exomes below 0.00001.
gnomAD v4.1: 6 of 1,611,882 alleles (0.00037%); highest among the groups gnomAD compares: South Asian, 0.0066%; no homozygotes.

Submissions (3):

Ambry Genetics
Classification: Uncertain significance for Hereditary cancer-predisposing syndrome. Last evaluated: 2023-09-21. Review status: criteria provided, single submitter. Criteria: Ambry Variant Classification Scheme 2023. Collection method: clinical testing. Allele origin: germline.
Comment: The p.V1756I variant (also known as c.5266G>A), located in coding exon 10 of the BRCA2 gene, results from a G to A substitution at nucleotide position 5266. The valine at codon 1756 is replaced by isoleucine, an amino acid with highly similar properties. This amino acid position is poorly conserved in available vertebrate species. In addition, this alteration is predicted to be tolerated by in silico analysis. Since supporting evidence is limited at this time, the clinical significance of this alteration remains unclear.

University of Washington Department of Laboratory Medicine, University of Washington
Classification: Likely benign for Hereditary cancer-predisposing syndrome. Last evaluated: 2023-03-23. Review status: criteria provided, single submitter. Criteria: Dines et al. (Genet Med. 2020). Collection method: curation. Allele origin: germline.
Comment: Missense variant in a coldspot region where missense variants are very unlikely to be pathogenic (PMID:31911673).

BRCA2 exon 11 coldspot. Reclassification based on statistical prior probability.

Labcorp Genetics (formerly Invitae), Labcorp
Classification: Uncertain significance for Hereditary breast ovarian cancer syndrome. Last evaluated: 2022-12-09. Review status: criteria provided, single submitter. Criteria: Invitae Variant Classification Sherloc (09022015). Collection method: clinical testing. Allele origin: germline.
Comment: This sequence change replaces valine, which is neutral and non-polar, with isoleucine, which is neutral and non-polar, at codon 1756 of the BRCA2 protein (p.Val1756Ile). In summary, the available evidence is currently insufficient to determine the role of this variant in disease. Therefore, it has been classified as a Variant of Uncertain Significance. Advanced modeling of protein sequence and biophysical properties (such as structural, functional, and spatial information, amino acid conservation, physicochemical variation, residue mobility, and thermodynamic stability) performed at Invitae indicates that this missense variant is not expected to disrupt BRCA2 protein function. ClinVar contains an entry for this variant (Variation ID: 1746468). This variant has not been reported in the literature in individuals affected with BRCA2-related conditions. This variant is present in population databases (no rsID available, gnomAD 0.003%).